The following is an entry in ClinVar:

NM_000384.3(APOB):c.82+3G>C

Genes: APOB (apolipoprotein B; minus strand), LOC106560211 (APOB 5' regulatory region; plus strand). Cytogenetic location: 2p24.1.
Variant type: single nucleotide variant.
Coding change: c.82+3G>C on transcript NM_000384.3 (MANE Select); 3 bases into the intron after coding-DNA position 82, G replaced by C.
Molecular consequence: intron variant.
Genome position (GRCh38, 1-based): chr2:21,043,861, C>G on the plus strand (G>C on the coding strand, the complement: APOB is on the minus strand). VCF-style: chr2-21043861-C-G. GRCh37 (hg19) VCF-style: chr2-21266733-C-G.
Identifiers: ClinVar variation 4820373 (VCV004820373.1).

ClinVar aggregate classification (germline): Uncertain significance (1 of 4 stars; one submission).

Conditions:
Cardiovascular phenotype. Identifiers: MedGen CN230736.

Submission:

Molecular Diagnostic Laboratory for Inherited Cardiovascular Disease, Montreal Heart Institute
Classification: Uncertain significance for Cardiovascular phenotype. Last evaluated: 2026-03-27. Review status: criteria provided, single submitter. Criteria: ACMG Guidelines, 2015. Collection method: clinical testing. Allele origin: germline. Affected: yes.
Comment: PVS1_mod, PM2, BP5